The following is an entry in ClinVar:

ClinVar aggregate classification (germline): Likely benign (1 of 4 stars; one submission).

Allele frequency attached by ClinVar (database versions not stated): 1000 Genomes Project 30x 0.01124; 1000 Genomes Project 0.01178; TOPMed 0.01484; gnomAD 0.01578 and 0.01650; gnomAD exomes 0.02264.
gnomAD v4.1: 18,434 of 862,078 alleles (2.1%); highest among the groups gnomAD compares: South Asian, 3.9%; 266 homozygotes.

Submission:

GeneDx
Classification: Likely benign. Last evaluated: 2018-06-16. Review status: criteria provided, single submitter. Criteria: GeneDx Variant Classification (06012015). Collection method: clinical testing. Allele origin: germline. Affected: yes.
Comment: This variant is considered likely benign or benign based on one or more of the following criteria: it is a conservative change, it occurs at a poorly conserved position in the protein, it is predicted to be benign by multiple in silico algorithms, and/or has population frequency not consistent with disease.

NM_000719.7(CACNA1C):c.371+121C>T

Gene: CACNA1C (calcium voltage-gated channel subunit alpha1 C; plus strand). Cytogenetic location: 12p13.33.
Variant type: single nucleotide variant.
Coding change: c.371+121C>T on transcript NM_000719.7 (MANE Select); 121 bases into the intron after coding-DNA position 371, C replaced by T.
Molecular consequence: intron variant.
Genome position (GRCh38, 1-based): chr12:2,115,666, C>T. VCF-style: chr12-2115666-C-T. GRCh37 (hg19) VCF-style: chr12-2224832-C-T.
Other names: c.371+121C>T (NM_001167624.3, NM_001167623.2, NM_001167625.2 and 19 more transcripts).
Identifiers: ClinVar variation 674498 (VCV000674498.1), dbSNP rs117659417, ClinGen allele CA13752343.